The following is an entry in ClinVar:

ClinVar aggregate classification (germline): Uncertain significance (1 of 4 stars; one submission).

Allele frequency attached by ClinVar (database versions not stated): gnomAD exomes below 0.00001.
gnomAD v4.1: 1 of 1,614,230 alleles (0.000062%); no homozygotes.

Submission:

Labcorp Genetics (formerly Invitae), Labcorp
Classification: Uncertain significance. Last evaluated: 2022-02-10. Review status: criteria provided, single submitter. Criteria: Invitae Variant Classification Sherloc (09022015). Collection method: clinical testing. Allele origin: germline.
Comment: The frequency data for this variant in the population databases is considered unreliable, as metrics indicate poor data quality at this position in the gnomAD database. This variant has not been reported in the literature in individuals affected with SRCAP-related conditions. Algorithms developed to predict the effect of missense changes on protein structure and function are either unavailable or do not agree on the potential impact of this missense change (SIFT: "Deleterious"; PolyPhen-2: "Not Available"; Align-GVGD: "Class C0"). In summary, the available evidence is currently insufficient to determine the role of this variant in disease. Therefore, it has been classified as a Variant of Uncertain Significance. This sequence change replaces proline, which is neutral and non-polar, with serine, which is neutral and polar, at codon 3019 of the SRCAP protein (p.Pro3019Ser).

NM_006662.3(SRCAP):c.9055C>T (p.Pro3019Ser)

Gene: SRCAP (Snf2 related CREBBP activator protein; plus strand). Cytogenetic location: 16p11.2.
Variant type: single nucleotide variant.
Coding change: c.9055C>T on transcript NM_006662.3 (MANE Select); coding-DNA position 9055, C replaced by T.
Protein change: p.Pro3019Ser; replaces proline 3019 with serine.
Molecular consequence: missense variant.
Genome position (GRCh38, 1-based): chr16:30,739,095, C>T. VCF-style: chr16-30739095-C-T. GRCh37 (hg19) VCF-style: chr16-30750416-C-T.
Other names: short protein forms P3019S.
Identifiers: ClinVar variation 1480752 (VCV001480752.6), dbSNP rs1481223252, ClinGen allele CA395642609.